The following is an entry in ClinVar:

NM_003922.4(HERC1):c.7771C>T (p.Arg2591Ter)

Gene: HERC1 (HECT and RLD domain containing E3 ubiquitin protein ligase family member 1; minus strand). Cytogenetic location: 15q22.31.
Variant type: single nucleotide variant.
Coding change: c.7771C>T on transcript NM_003922.4 (MANE Select); coding-DNA position 7771, C replaced by T.
Protein change: p.Arg2591Ter; replaces arginine 2591 with a stop codon.
Molecular consequence: nonsense.
Genome position (GRCh38, 1-based): chr15:63,674,417, G>A on the plus strand (C>T on the coding strand, the complement: HERC1 is on the minus strand). VCF-style: chr15-63674417-G-A. GRCh37 (hg19) VCF-style: chr15-63966616-G-A.
Other names: short protein forms R2591*.
Identifiers: ClinVar variation 2293157 (VCV002293157.2), dbSNP rs1379420634, ClinGen allele CA392764817.

ClinVar aggregate classification (germline): Pathogenic (1 of 4 stars; one submission).

Conditions:
Inborn genetic diseases. Identifiers: MedGen C0950123, MeSH D030342.

Allele frequency attached by ClinVar (database versions not stated): gnomAD 0.00001.
gnomAD v4.1: 2 of 1,613,560 alleles (0.00012%); highest among the groups gnomAD compares: African/African-American, 0.0013%; no homozygotes.

Submission:

Ambry Genetics
Classification: Pathogenic for Inborn genetic diseases. Last evaluated: 2022-06-21. Review status: criteria provided, single submitter. Criteria: Ambry Variant Classification Scheme 2023. Collection method: clinical testing. Allele origin: germline.
Comment: The c.7771C>T (p.R2591*) alteration, located in exon 38 (coding exon 37) of the HERC1 gene, consists of a C to T substitution at nucleotide position 7771. This changes the amino acid from a arginine (R) to a stop codon at amino acid position 2591. This alteration is expected to result in loss of function by premature protein truncation or nonsense-mediated mRNA decay. Based on the available evidence, this alteration is classified as pathogenic.